The following is an entry in ClinVar:

NM_020937.4(FANCM):c.6022A>G (p.Ile2008Val)

Gene: FANCM (FA complementation group M; plus strand). Cytogenetic location: 14q21.2.
Variant type: single nucleotide variant.
Coding change: c.6022A>G on transcript NM_020937.4 (MANE Select); coding-DNA position 6022, A replaced by G.
Protein change: p.Ile2008Val; replaces isoleucine 2008 with valine.
Molecular consequence: missense variant.
Genome position (GRCh38, 1-based): chr14:45,199,883, A>G. VCF-style: chr14-45199883-A-G. GRCh37 (hg19) VCF-style: chr14-45669086-A-G.
Other names: c.5944A>G, p.Ile1982Val (NM_001308133.2); short protein forms I1982V, I2008V.
Identifiers: ClinVar variation 4022895 (VCV004022895.2).

ClinVar aggregate classification (germline): Uncertain significance (1 of 4 stars; one submission).

Conditions:
Inborn genetic diseases. Identifiers: MedGen C0950123, MeSH D030342.

gnomAD v4.1: 1 of 1,612,290 alleles (0.000062%); no homozygotes.

Submission:

Ambry Genetics
Classification: Uncertain significance for Inborn genetic diseases. Last evaluated: 2026-03-15. Review status: criteria provided, single submitter. Criteria: Ambry Variant Classification Scheme 2023. Collection method: clinical testing. Allele origin: germline.
Comment: The p.I2008V variant (also known as c.6022A>G), located in coding exon 23 of the FANCM gene, results from an A to G substitution at nucleotide position 6022. The isoleucine at codon 2008 is replaced by valine, an amino acid with highly similar properties. This amino acid position is conserved. In addition, this alteration is predicted to be tolerated by in silico analysis. Based on the available evidence, the clinical significance of this variant remains unclear.